The following is an entry in ClinVar:

ClinVar aggregate classification (germline): Uncertain significance. Review status: criteria provided, multiple submitters, no conflicts (2 of 4 stars). 4 submissions from 4 submitters: Uncertain significance (4). Last evaluated 2026-07-24.

Conditions:
RYR1-related disorder. Also called: RYR1-related disorders; RYR1-related condition. Identifiers: MedGen CN239331.
Malignant hyperthermia, susceptibility to, 1 (MHS1). Also called: Anesthesia related hyperthermia; Malignant hyperpyrexia; Fulminating hyperpyrexia; Pharmacogenic myopathy; Malignant hyperthermia suceptibility 1; RYR1-Related Malignant Hyperthermia Susceptibility. Identifiers: Orphanet 423, MedGen C2930980, MONDO:0007783, OMIM 145600.

Allele frequency attached by ClinVar (database versions not stated): gnomAD 0.00003; TOPMed 0.00004; ExAC 0.00001; gnomAD exomes 0.00001.
gnomAD v4.1: 13 of 1,614,004 alleles (0.00081%); highest among the groups gnomAD compares: East Asian, 0.011%; no homozygotes.

Submissions (4):

PreventionGenetics, part of Exact Sciences
Classification: Uncertain significance for RYR1-related condition. Last evaluated: 2026-07-24. Review status: criteria provided, single submitter. Criteria: ACMG Guidelines, 2015. Collection method: clinical testing. Allele origin: germline.
Comment: The RYR1 c.8191G>A variant is predicted to result in the amino acid substitution p.Ala2731Thr. To our knowledge, this variant has not been reported in the literature. This variant is reported in 0.012% of alleles in individuals of African descent in gnomAD. At this time, the clinical significance of this variant is uncertain due to the absence of conclusive functional and genetic evidence.

Color Diagnostics, LLC DBA Color Health
Classification: Uncertain significance for Malignant hyperthermia, susceptibility to, 1. Last evaluated: 2024-06-12. Review status: criteria provided, single submitter. Criteria: ACMG Guidelines, 2015. Collection method: clinical testing. Allele origin: germline.
Comment: This missense variant replaces alanine with threonine at codon 2731 of the RYR1 protein. Computational prediction suggests that this variant may not impact protein structure and function (internally defined REVEL score threshold <= 0.5, PMID: 27666373). To our knowledge, functional studies have not been reported for this variant. This variant has not been reported in individuals affected with RYR1-related disorders in the literature. This variant has been identified in 4/251462 chromosomes in the general population by the Genome Aggregation Database (gnomAD). The available evidence is insufficient to determine the role of this variant in disease conclusively. Therefore, this variant is classified as a Variant of Uncertain Significance.

All of Us Research Program, National Institutes of Health
Classification: Uncertain significance for Malignant hyperthermia, susceptibility to, 1. Last evaluated: 2024-03-28. Review status: criteria provided, single submitter. Criteria: ACMG Guidelines, 2015. Collection method: clinical testing. Allele origin: germline. Inheritance: Autosomal dominant inheritance. Observed: 1 variant allele, 1 heterozygote.
Comment: This study involves interpretation of variants in research participants for the purpose of population health screening. Participant phenotype was not available at the time of variant classification. Additional details can be found in publication PMID: 35346344, PMCID: PMC8962531

Revvity Omics, Revvity
Classification: Uncertain significance. Last evaluated: 2022-08-18. Review status: criteria provided, single submitter. Criteria: ACMG Guidelines, 2015. Collection method: clinical testing. Allele origin: germline.

NM_000540.3(RYR1):c.8191G>A (p.Ala2731Thr)

Gene: RYR1 (ryanodine receptor 1; plus strand). Cytogenetic location: 19q13.2.
Variant type: single nucleotide variant.
Coding change: c.8191G>A on transcript NM_000540.3 (MANE Select); coding-DNA position 8191, G replaced by A.
Protein change: p.Ala2731Thr; replaces alanine 2731 with threonine.
Molecular consequence: missense variant.
Genome position (GRCh38, 1-based): chr19:38,504,871, G>A. VCF-style: chr19-38504871-G-A. GRCh37 (hg19) VCF-style: chr19-38995511-G-A.
Other names: c.8191G>A, p.Ala2731Thr (NM_001042723.2); short protein forms A2731T.
Identifiers: ClinVar variation 2435602 (VCV002435602.6), dbSNP rs761563728, ClinGen allele CA071624.
Genomic context (GRCh38, chr19:38,504,871, plus strand): 5'-CCCCCCGACTATGTGGATGCCTCATACTCATCTAAGGCAGAGAAAAAGGCCACAGTGGAT[G>A]CTGAAGGCAACTTTGATCCCCGGCCTGTGGAGACCCTCAAGTGAGGCCTGGGGGCTGGGA-3'
Protein context (NP_000531.2, residues 2721-2741): SKAEKKATVD[Ala2731Thr]EGNFDPRPVE